The following is an entry in ClinVar:

NM_182914.3(SYNE2):c.2558C>G (p.Ser853Cys)

Gene: SYNE2 (spectrin repeat containing nuclear envelope protein 2; plus strand). Cytogenetic location: 14q23.2.
Variant type: single nucleotide variant.
Coding change: c.2558C>G on transcript NM_182914.3 (MANE Select); coding-DNA position 2558, C replaced by G.
Protein change: p.Ser853Cys; replaces serine 853 with cysteine.
Molecular consequence: missense variant.
Genome position (GRCh38, 1-based): chr14:63,991,027, C>G. VCF-style: chr14-63991027-C-G. GRCh37 (hg19) VCF-style: chr14-64457745-C-G.
Other names: c.2558C>G, p.Ser853Cys (NM_015180.6); short protein forms S853C.
Identifiers: ClinVar variation 862050 (VCV000862050.38), dbSNP rs763133096, ClinGen allele CA7219731.

ClinVar aggregate classification (germline): Conflicting classifications of pathogenicity. Review status: criteria provided, conflicting classifications (1 of 4 stars). 6 submissions from 6 submitters: Uncertain significance (4); Likely benign (2). Last evaluated 2025-12-09.

Conditions:
Emery-Dreifuss muscular dystrophy 5, autosomal dominant (EDMD5). Also called: EMERY-DREIFUSS MUSCULAR DYSTROPHY 5. Identifiers: Orphanet 261, MedGen C2751805, MONDO:0013072, OMIM 612999.

Allele frequency attached by ClinVar (database versions not stated): ExAC 0.00001; gnomAD exomes 0.00003 and 0.00013; TOPMed 0.00005.
gnomAD v4.1: 208 of 1,613,936 alleles (0.013%); highest among the groups gnomAD compares: Non-Finnish European, 0.016%; no homozygotes.

Submissions (6):

Ambry Genetics
Classification: Uncertain significance. Last evaluated: 2025-12-09. Review status: criteria provided, single submitter. Criteria: Ambry Variant Classification Scheme 2023. Collection method: clinical testing. Allele origin: germline.

Women's Health and Genetics/Laboratory Corporation of America, LabCorp
Classification: Uncertain significance. Last evaluated: 2025-09-08. Review status: criteria provided, single submitter. Criteria: LabCorp Variant Classification Summary - May 2015. Collection method: clinical testing. Allele origin: germline.
Comment: Variant summary: SYNE2 c.2558C>G (p.Ser853Cys) results in a non-conservative amino acid change in the encoded protein sequence. Algorithms developed to predict the effect of missense changes on protein structure and function are either unavailable or do not agree on the potential impact of this missense change. The variant allele was found at a frequency of 3.2e-05 in 249478 control chromosomes. The available data on variant occurrences in the general population are insufficient to allow any conclusion about variant significance. To our knowledge, no occurrence of c.2558C>G in individuals affected with SYNE2-related conditions and no experimental evidence demonstrating its impact on protein function have been reported. ClinVar contains an entry for this variant (Variation ID: 862050). Based on the evidence outlined above, the variant was classified as uncertain significance.

Revvity Omics, Revvity
Classification: Likely benign for Emery-Dreifuss muscular dystrophy 5, autosomal dominant. Last evaluated: 2024-09-23. Review status: criteria provided, single submitter. Criteria: ACMG Guidelines, 2015. Collection method: clinical testing. Allele origin: germline.

Labcorp Genetics (formerly Invitae), Labcorp
Classification: Uncertain significance for Emery-Dreifuss muscular dystrophy 5, autosomal dominant. Last evaluated: 2024-04-29. Review status: criteria provided, single submitter. Criteria: Invitae Variant Classification Sherloc (09022015). Collection method: clinical testing. Allele origin: germline.
Comment: This sequence change replaces serine, which is neutral and polar, with cysteine, which is neutral and slightly polar, at codon 853 of the SYNE2 protein (p.Ser853Cys). This variant is present in population databases (rs763133096, gnomAD 0.008%). This variant has not been reported in the literature in individuals affected with SYNE2-related conditions. ClinVar contains an entry for this variant (Variation ID: 862050). An algorithm developed to predict the effect of missense changes on protein structure and function (PolyPhen-2) suggests that this variant is likely to be disruptive. In summary, the available evidence is currently insufficient to determine the role of this variant in disease. Therefore, it has been classified as a Variant of Uncertain Significance.

CeGaT Center for Human Genetics Tuebingen
Classification: Likely benign. Last evaluated: 2023-11-01. Review status: criteria provided, single submitter. Criteria: CeGaT Center For Human Genetics Tuebingen Variant Classification Criteria Version 2. Collection method: clinical testing. Allele origin: germline. Affected: yes. Observed: 1 variant allele.
Comment: SYNE2: BP4

Illumina Laboratory Services, Illumina
Classification: Uncertain significance for Emery-Dreifuss muscular dystrophy 5, autosomal dominant. Last evaluated: 2018-01-12. Review status: criteria provided, single submitter. Criteria: ICSL Variant Classification Criteria 13 December 2019. Collection method: clinical testing. Allele origin: germline.